The following is an entry in ClinVar:

NM_000051.4(ATM):c.2466+1552G>C

Gene: ATM (ATM serine/threonine kinase; plus strand). Cytogenetic location: 11q22.3.
Variant type: single nucleotide variant.
Coding change: c.2466+1552G>C on transcript NM_000051.4 (MANE Select); 1552 bases into the intron after coding-DNA position 2466, G replaced by C.
Molecular consequence: intron variant.
Genome position (GRCh38, 1-based): chr11:108,260,627, G>C. VCF-style: chr11-108260627-G-C. GRCh37 (hg19) VCF-style: chr11-108131354-G-C.
Other names: c.2466+1552G>C (NM_001351834.2).
Identifiers: ClinVar variation 821324 (VCV000821324.13), dbSNP rs963653732, ClinGen allele CA228401290.

ClinVar aggregate classification (germline): Conflicting classifications of pathogenicity. Review status: criteria provided, conflicting classifications (1 of 4 stars). 4 submissions from 4 submitters: Pathogenic (1); Likely pathogenic (1); Uncertain significance (2). Last evaluated 2026-08-11.

Conditions:
Hereditary cancer-predisposing syndrome. Also called: Hereditary Cancer Syndrome; Tumor predisposition; Hereditary neoplastic syndrome; Neoplastic Syndromes, Hereditary. Identifiers: Orphanet 140162, MedGen C0027672, MeSH D009386, MONDO:0015356.
Ataxia-telangiectasia syndrome (AT). Also called: Ataxia-telangiectasia, complementation group E; Ataxia telangiectasia (A-T); ATAXIA-TELANGIECTASIA, COMPLEMENTATION GROUP A; ATAXIA-TELANGIECTASIA, FRESNO VARIANT; Ataxia-telangiectasia; LOUIS-BAR SYNDROME. Identifiers: Orphanet 100, MedGen C0004135, MONDO:0008840, OMIM 208900.
Hereditary breast ovarian cancer syndrome. Also called: Hereditary breast and/or ovarian cancer syndrome; Hereditary breast and ovarian cancer; Breast and ovarian cancer; Hereditary breast and ovarian cancer syndrome (HBOC); BRCA1- and BRCA2-Associated Hereditary Breast and Ovarian Cancer; Hereditary breast and ovarian cancer syndrome. Identifiers: Orphanet 145, MedGen C0677776, MeSH D061325, MONDO:0003582. Disease mechanism: loss of function.

Allele frequency attached by ClinVar (database versions not stated): gnomAD 0.00002 and 0.00003; TOPMed 0.00003.
gnomAD v4.1: 5 of 152,174 alleles (0.0033%); highest among the groups gnomAD compares: Non-Finnish European, 0.0073%; no homozygotes.

Submissions (4):

German Consortium for Hereditary Breast and Ovarian Cancer, University Hospital Cologne
Classification: Uncertain significance for Hereditary breast ovarian cancer syndrome. Last evaluated: 2026-08-11. Review status: criteria provided, single submitter. Criteria: ClinGen ATM V1.5.0. Collection method: curation. Allele origin: germline.
Comment: This classification follows the ClinGen ACMG ATM v1.5.0 classification scheme; We chose these criteria: PP3 (supporting pathogenic): Splice AI: Acceptor Loss 0.00 -35 bp Donor Loss 0.00 Acceptor Gain 0.93 3 bp Donor Gain 0.69 97 bp Pseudoexon activation (95bp coding seq.) - frameshift , BP7 (supporting benign): deep intronic

Labcorp Genetics (formerly Invitae), Labcorp
Classification: Pathogenic for Ataxia-telangiectasia syndrome. Last evaluated: 2025-12-22. Review status: criteria provided, single submitter. Criteria: Invitae Variant Classification Sherloc (09022015). Collection method: clinical testing. Allele origin: germline.
Comment: This sequence change falls in intron 16 of the ATM gene. It does not directly change the encoded amino acid sequence of the ATM protein. RNA analysis indicates that this variant induces altered splicing and may result in an absent or altered protein product. This variant is not present in population databases (gnomAD no frequency). This variant has been observed in individual(s) with clinical features of hereditary cancer (PMID: 36008414). ClinVar contains an entry for this variant (Variation ID: 821324). Studies have shown that this variant results in activation of a cryptic splice site, and produces a non-functional protein and/or introduces a premature termination codon (internal data). For these reasons, this variant has been classified as Pathogenic.

Color Diagnostics, LLC DBA Color Health
Classification: Uncertain significance for Hereditary cancer-predisposing syndrome. Last evaluated: 2025-02-18. Review status: criteria provided, single submitter. Criteria: ACMG Guidelines, 2015. Collection method: clinical testing. Allele origin: germline.
Comment: This variant causes a G to C nucleotide substitution at the +1552 position of intron 16/62 of the ATM gene. Functional RNA studies have shown that this variant activates a cryptic splice acceptor site, resulting in the inclusion of a 96 base-pair pseudoexon (PMID: 34283047). This variant has been reported in a cohort of individuals undergoing genetic testing for hereditary cancer predisposition (PMID: 36008414). This variant has not been identified in the general population by the Genome Aggregation Database (gnomAD). The available evidence is insufficient to determine the role of this variant in disease conclusively. Therefore, this variant is classified as a Variant of Uncertain Significance.

Ambry Genetics
Classification: Likely pathogenic for Hereditary cancer-predisposing syndrome. Last evaluated: 2025-01-13. Review status: criteria provided, single submitter. Criteria: Ambry Variant Classification Scheme 2023. Collection method: clinical testing. Allele origin: germline.
Comment: The c.2466+1552G>C intronic variant results from a G to C substitution 1552 nucleotides after coding exon 15 in the ATM gene. This variant has been shown to activate a cryptic splice acceptor site that results in the insertion of 95 nucleotides between coding exon 15 and coding exon 16, leading to a premature stop codon that is expected to trigger nonsense-mediated mRNA decay (Moles-Fern&aacute;ndez A et al. Cancers (Basel), 2021 Jul 3;13(13):3341). In silico splice site analysis predicts that this alteration will result in the creation or strengthening of a novel splice acceptor site. RNA studies have demonstrated that this alteration results in abnormal splicing in the set of samples tested (Ambry internal data). As risk estimates are unknown at this time, clinical correlation is advised. Based on the majority of available evidence to date, this variant is likely to be pathogenic.

Literature cited by the submitters: PubMed 36008414 (cited by Labcorp Genetics (formerly Invitae), Labcorp and Color Diagnostics, LLC DBA Color Health); PubMed 34283047 (cited by Color Diagnostics, LLC DBA Color Health and Ambry Genetics).